The following is an entry in ClinVar:

ClinVar aggregate classification (germline): Benign/Likely benign. Review status: criteria provided, multiple submitters, no conflicts (2 of 4 stars). 9 submissions from 9 submitters: Benign (1); Likely benign (8). Last evaluated 2026-02-01.

Conditions:
Inborn genetic diseases. Identifiers: MedGen C0950123, MeSH D030342.
Hypogonadotropic hypogonadism 5 with or without anosmia (KAL5). Also called: CHD7-Related GnRH Deficiency (Kallmann Syndrome 5); HYPOGONADOTROPIC HYPOGONADISM 5 WITH ANOSMIA; HYPOGONADOTROPHIC HYPOGONADISM 5 WITHOUT ANOSMIA. Identifiers: Orphanet 478, MedGen C3552553, MONDO:0012880, OMIM 612370. Disease mechanism: loss of function.
CHARGE syndrome (CHARGE). Also called: Hittner Hirsch Kreh syndrome; Coloboma, heart anomaly, choanal atresia, retardation, genital and ear anomalies; CHARGE association; Hall-Hittner syndrome; CHARGE ASSOCIATION--COLOBOMA, HEART ANOMALY, CHOANAL ATRESIA, RETARDATION, GENITAL AND EAR ANOMALIES. Identifiers: Orphanet 138, MedGen C0265354, MONDO:0008965.

Allele frequency attached by ClinVar (database versions not stated): TOPMed 0.00029; gnomAD 0.00032 and 0.00033; ESP Exome Variant Server 0.00063.
gnomAD v4.1: 375 of 1,612,636 alleles (0.023%); highest among the groups gnomAD compares: Middle Eastern, 0.38%; 2 homozygotes.

Submissions (9):

Labcorp Genetics (formerly Invitae), Labcorp
Classification: Benign for CHARGE syndrome. Last evaluated: 2026-02-01. Review status: criteria provided, single submitter. Criteria: Invitae Variant Classification Sherloc (09022015). Collection method: clinical testing. Allele origin: germline.

Genomic Medicine Center of Excellence, King Faisal Specialist Hospital and Research Centre
Classification: Likely benign. Last evaluated: 2025-08-18. Review status: criteria provided, single submitter. Criteria: ACMG Guidelines, 2015. Collection method: clinical testing. Allele origin: germline.

Blueprint Genetics
Classification: Likely benign. Last evaluated: 2024-09-25. Review status: criteria provided, single submitter. Criteria: ACMG Guidelines, 2015. Collection method: clinical testing. Allele origin: germline.

CeGaT Center for Human Genetics Tuebingen
Classification: Likely benign. Last evaluated: 2024-08-01. Review status: criteria provided, single submitter. Criteria: CeGaT Center For Human Genetics Tuebingen Variant Classification Criteria Version 2. Collection method: clinical testing. Allele origin: germline. Affected: yes. Observed: 4 variant alleles.
Comment: CHD7: BS2

Fulgent Genetics
Classification: Likely benign for CHD7-related CHARGE syndrome; Hypogonadotropic hypogonadism 5 with or without anosmia. Last evaluated: 2022-04-14. Review status: criteria provided, single submitter. Criteria: ACMG Guidelines, 2015. Collection method: clinical testing. Allele origin: unknown.

GeneDx
Classification: Likely benign. Last evaluated: 2021-04-28. Review status: criteria provided, single submitter. Criteria: GeneDx Variant Classification Process June 2021. Collection method: clinical testing. Allele origin: germline. Affected: yes.
Comment: This variant is associated with the following publications: (PMID: 25472840, 23533228, 27884173, 27899157)

Illumina Laboratory Services, Illumina
Classification: Likely benign for Kallmann Syndrome 5. Last evaluated: 2018-01-12. Review status: criteria provided, single submitter. Criteria: ICSL Variant Classification Criteria 13 December 2019. Collection method: clinical testing. Allele origin: germline.
Comment: This variant was observed in the ICSL laboratory as part of a predisposition screen in an ostensibly healthy population. It had not been previously curated by ICSL or reported in the Human Gene Mutation Database (HGMD: prior to June 1st, 2018), and was therefore a candidate for classification through an automated scoring system. Utilizing variant allele frequency, disease prevalence and penetrance estimates, and inheritance mode, an automated score was calculated to assess if this variant is too frequent to cause the disease. Based on the score and internal cut-off values, a variant classified as likely benign is not then subjected to further curation. The score for this variant resulted in a classification of likely benign for this disease.

Ambry Genetics
Classification: Likely benign for Inborn genetic diseases. Last evaluated: 2017-09-14. Review status: criteria provided, single submitter. Criteria: Ambry Variant Classification Scheme 2023. Collection method: clinical testing. Allele origin: germline.

Eurofins Ntd Llc (ga)
Classification: Likely benign. Last evaluated: 2016-08-29. Review status: criteria provided, single submitter. Criteria: EGL Classification Definitions 2015. Collection method: clinical testing. Allele origin: germline. Observed: 1 variant allele, 1 heterozygote.

Literature cited by the submitters: PubMed 23533228 (cited by Ambry Genetics); PubMed 25472840 (cited by Ambry Genetics); PubMed 27884173 (cited by Ambry Genetics); PubMed 27899157 (cited by Ambry Genetics).

NM_017780.4(CHD7):c.1188G>T (p.Met396Ile)

Gene: CHD7 (chromodomain helicase DNA binding protein 7; plus strand). Cytogenetic location: 8q12.2.
Variant type: single nucleotide variant.
Coding change: c.1188G>T on transcript NM_017780.4 (MANE Select); coding-DNA position 1188, G replaced by T.
Protein change: p.Met396Ile; replaces methionine 396 with isoleucine.
Molecular consequence: missense variant.
Genome position (GRCh38, 1-based): chr8:60,742,620, G>T. VCF-style: chr8-60742620-G-T. GRCh37 (hg19) VCF-style: chr8-61655179-G-T.
Other names: c.1188G>T, p.Met396Ile (NM_001316690.1); c.1188G>T (LRG_176t1); short protein forms M396I.
Identifiers: ClinVar variation 290788 (VCV000290788.50), dbSNP rs201653177, ClinGen allele CA4759447.
Genomic context (GRCh38, chr8:60,742,620, plus strand): 5'-GAACACACAAACTATGCATCCTTCACAGCCTCAGGGAACTTATGCCTCTCCACCTCCCAT[G>T]TCACCCATGAAAGCAATGAGTAATCCAGCAGGCACTCCTCCTCCACAAGTCAGGCCGGGA-3'
Protein context (NP_060250.2, residues 386-406): PQGTYASPPP[Met396Ile]SPMKAMSNPA